The following is an entry in ClinVar:

NM_014141.6(CNTNAP2):c.1943C>T (p.Thr648Met)

Gene: CNTNAP2 (contactin associated protein 2; plus strand). Cytogenetic location: 7q35.
Variant type: single nucleotide variant.
Coding change: c.1943C>T on transcript NM_014141.6 (MANE Select); coding-DNA position 1943, C replaced by T.
Protein change: p.Thr648Met; replaces threonine 648 with methionine.
Molecular consequence: missense variant.
Genome position (GRCh38, 1-based): chr7:147,639,151, C>T. VCF-style: chr7-147639151-C-T. GRCh37 (hg19) VCF-style: chr7-147336243-C-T.
Other names: p.T648M:ACG>ATG; short protein forms T648M.
Identifiers: ClinVar variation 205253 (VCV000205253.20), dbSNP rs534215627, ClinGen allele CA314140.

ClinVar aggregate classification (germline): Uncertain significance. Review status: criteria provided, multiple submitters, no conflicts (2 of 4 stars). 6 submissions from 6 submitters: Uncertain significance (6). Last evaluated 2024-09-24.

Conditions:
Inborn genetic diseases. Identifiers: MedGen C0950123, MeSH D030342.
Cortical dysplasia-focal epilepsy syndrome (PTHSL1). Also called: Pitt-Hopkins-like syndrome 1. Identifiers: Orphanet 163681, Orphanet 221150, MedGen C2750246, MONDO:0012400, OMIM 610042.

Allele frequency attached by ClinVar (database versions not stated): gnomAD exomes 0.00002 and 0.00005; ExAC 0.00007; gnomAD 0.00012 and 0.00013; TOPMed 0.00013; 1000 Genomes Project 30x 0.00031; 1000 Genomes Project 0.00040.
gnomAD v4.1: 62 of 1,614,110 alleles (0.0038%); highest among the groups gnomAD compares: African/African-American, 0.021%; no homozygotes.

Submissions (6):

GeneDx
Classification: Uncertain significance. Last evaluated: 2024-09-24. Review status: criteria provided, single submitter. Criteria: GeneDx Variant Classification Process June 2021. Collection method: clinical testing. Allele origin: germline. Affected: yes.
Comment: In silico analysis supports that this missense variant has a deleterious effect on protein structure/function; Has not been previously published as pathogenic or benign to our knowledge

3billion
Classification: Uncertain significance for Cortical dysplasia-focal epilepsy syndrome. Last evaluated: 2024-09-20. Review status: criteria provided, single submitter. Criteria: ACMG Guidelines, 2015. Collection method: clinical testing. Allele origin: germline. Affected: no.
Comment: The variant is observed at an extremely low frequency in the gnomAD v4.1.0 dataset (total allele frequency: 0.004%). In silico tool predictions suggest no damaging effect of the variant on gene or gene product [REVEL: 0.16 (>=0.6, sensitivity 0.68 and specificity 0.92)]. Therefore, this variant was classified as uncertain significance.

Blueprint Genetics
Classification: Uncertain significance. Last evaluated: 2024-07-24. Review status: criteria provided, single submitter. Criteria: ACMG Guidelines, 2015. Collection method: clinical testing. Allele origin: germline.

Labcorp Genetics (formerly Invitae), Labcorp
Classification: Uncertain significance for Cortical dysplasia-focal epilepsy syndrome. Last evaluated: 2022-09-07. Review status: criteria provided, single submitter. Criteria: Invitae Variant Classification Sherloc (09022015). Collection method: clinical testing. Allele origin: germline.
Comment: This sequence change replaces threonine, which is neutral and polar, with methionine, which is neutral and non-polar, at codon 648 of the CNTNAP2 protein (p.Thr648Met). This variant is present in population databases (rs534215627, gnomAD 0.02%). This variant has not been reported in the literature in individuals affected with CNTNAP2-related conditions. ClinVar contains an entry for this variant (Variation ID: 205253). Algorithms developed to predict the effect of missense changes on protein structure and function are either unavailable or do not agree on the potential impact of this missense change (SIFT: "Deleterious"; PolyPhen-2: "Benign"; Align-GVGD: "Class C0"). In summary, the available evidence is currently insufficient to determine the role of this variant in disease. Therefore, it has been classified as a Variant of Uncertain Significance.

Ambry Genetics
Classification: Uncertain significance for Inborn genetic diseases. Last evaluated: 2021-12-06. Review status: criteria provided, single submitter. Criteria: Ambry Variant Classification Scheme 2023. Collection method: clinical testing. Allele origin: germline.

Illumina Laboratory Services, Illumina
Classification: Uncertain significance for Cortical dysplasia-focal epilepsy syndrome. Last evaluated: 2018-01-13. Review status: criteria provided, single submitter. Criteria: ICSL Variant Classification Criteria 13 December 2019. Collection method: clinical testing. Allele origin: germline.